The following is an entry in ClinVar:

ClinVar aggregate classification (germline): Uncertain significance. Review status: criteria provided, multiple submitters, no conflicts (2 of 4 stars). 2 submissions from 2 submitters: Uncertain significance (2). Last evaluated 2024-10-07.

Conditions:
Inborn genetic diseases. Identifiers: MedGen C0950123, MeSH D030342.

Allele frequency attached by ClinVar (database versions not stated): gnomAD 0.00001; gnomAD exomes 0.00002; TOPMed 0.00003; ExAC 0.00008.
gnomAD v4.1: 13 of 1,598,638 alleles (0.00081%); highest among the groups gnomAD compares: Admixed American, 0.018%; no homozygotes.

Submissions (2):

Labcorp Genetics (formerly Invitae), Labcorp
Classification: Uncertain significance. Last evaluated: 2024-10-07. Review status: criteria provided, single submitter. Criteria: Invitae Variant Classification Sherloc (09022015). Collection method: clinical testing. Allele origin: germline.
Comment: This sequence change replaces threonine, which is neutral and polar, with isoleucine, which is neutral and non-polar, at codon 234 of the TONSL protein (p.Thr234Ile). This variant is present in population databases (rs746722050, gnomAD 0.04%). This variant has not been reported in the literature in individuals affected with TONSL-related conditions. ClinVar contains an entry for this variant (Variation ID: 2076597). Invitae Evidence Modeling of protein sequence and biophysical properties (such as structural, functional, and spatial information, amino acid conservation, physicochemical variation, residue mobility, and thermodynamic stability) indicates that this missense variant is not expected to disrupt TONSL protein function with a negative predictive value of 80%. In summary, the available evidence is currently insufficient to determine the role of this variant in disease. Therefore, it has been classified as a Variant of Uncertain Significance.

Ambry Genetics
Classification: Uncertain significance for Inborn genetic diseases. Last evaluated: 2024-05-16. Review status: criteria provided, single submitter. Criteria: Ambry Variant Classification Scheme 2023. Collection method: clinical testing. Allele origin: germline.

NM_013432.5(TONSL):c.701C>T (p.Thr234Ile)

Gene: TONSL (tonsoku like, DNA repair protein; minus strand). Cytogenetic location: 8q24.3.
Variant type: single nucleotide variant.
Coding change: c.701C>T on transcript NM_013432.5 (MANE Select); coding-DNA position 701, C replaced by T.
Protein change: p.Thr234Ile; replaces threonine 234 with isoleucine.
Molecular consequence: missense variant.
Genome position (GRCh38, 1-based): chr8:144,442,290, G>A on the plus strand (C>T on the coding strand, the complement: TONSL is on the minus strand). VCF-style: chr8-144442290-G-A. GRCh37 (hg19) VCF-style: chr8-145667673-G-A.
Other names: c.701C>T (NM_013432.4); short protein forms T234I.
Identifiers: ClinVar variation 2076597 (VCV002076597.3), dbSNP rs746722050, ClinGen allele CA4943546.